The following is an entry in ClinVar:

NM_000336.3(SCNN1B):c.766T>C (p.Cys256Arg)

Gene: SCNN1B (sodium channel epithelial 1 subunit beta; plus strand). Cytogenetic location: 16p12.2.
Variant type: single nucleotide variant.
Coding change: c.766T>C on transcript NM_000336.3 (MANE Select); coding-DNA position 766, T replaced by C.
Protein change: p.Cys256Arg; replaces cysteine 256 with arginine.
Molecular consequence: missense variant.
Genome position (GRCh38, 1-based): chr16:23,355,479, T>C. VCF-style: chr16-23355479-T-C. GRCh37 (hg19) VCF-style: chr16-23366800-T-C.
Other names: c.766T>C, p.Cys256Arg (NM_001410900.1); short protein forms C256R.
Identifiers: ClinVar variation 4292933 (VCV004292933.1).

ClinVar aggregate classification (germline): Uncertain significance (1 of 4 stars; one submission).

Conditions:
Bronchiectasis with or without elevated sweat chloride 1 (BESC1). Also called: Cystic Fibrosis-Like Syndrome. Identifiers: Orphanet 60033, MedGen C2749757, MONDO:0008887, OMIM 211400.

Submission:

3billion
Classification: Uncertain significance for Bronchiectasis with or without elevated sweat chloride 1. Last evaluated: 2024-11-20. Review status: criteria provided, single submitter. Criteria: ACMG Guidelines, 2015. Collection method: clinical testing. Allele origin: germline. Affected: yes.
Comment: The variant is not observed in the gnomAD v4.1.0 dataset. Predicted Consequence/Location: Missense variant In silico tool predictions suggest damaging effect of the variant on gene or gene product [REVEL: 0.85 (>=0.6, sensitivity 0.68 and specificity 0.92)]. Therefore, this variant is classified as VUS according to the recommendation of ACMG/AMP guideline.